The following is an entry in ClinVar:

ClinVar aggregate classification (germline): Uncertain significance. Review status: criteria provided, multiple submitters, no conflicts (2 of 4 stars). 2 submissions from 2 submitters: Uncertain significance (2). Last evaluated 2025-09-04.

Conditions:
Renal cell carcinoma. Identifiers: Orphanet 217071, MedGen C0007134, MeSH D002292, MONDO:0005086, HP:0005584.
Hereditary cancer-predisposing syndrome. Also called: Hereditary neoplastic syndrome; Neoplastic Syndromes, Hereditary; Tumor predisposition; Hereditary Cancer Syndrome. Identifiers: Orphanet 140162, MedGen C0027672, MeSH D009386, MONDO:0015356.

Allele frequency attached by ClinVar (database versions not stated): gnomAD exomes 0.00001; ExAC 0.00003.
gnomAD v4.1: 9 of 1,614,076 alleles (0.00056%); highest among the groups gnomAD compares: Non-Finnish European, 0.00076%; no homozygotes.

Submissions (2):

Ambry Genetics
Classification: Uncertain significance for Hereditary cancer-predisposing syndrome. Last evaluated: 2025-09-04. Review status: criteria provided, single submitter. Criteria: Ambry Variant Classification Scheme 2023. Collection method: clinical testing. Allele origin: germline.
Comment: The p.I816R variant (also known as c.2447T>G), located in coding exon 10 of the MET gene, results from a T to G substitution at nucleotide position 2447. The isoleucine at codon 816 is replaced by arginine, an amino acid with similar properties. This amino acid position is well conserved in available vertebrate species. In addition, the in silico prediction for this alteration is inconclusive. Since supporting evidence is limited at this time, the clinical significance of this alteration remains unclear.

Labcorp Genetics (formerly Invitae), Labcorp
Classification: Uncertain significance for Renal cell carcinoma. Last evaluated: 2024-04-15. Review status: criteria provided, single submitter. Criteria: Invitae Variant Classification Sherloc (09022015). Collection method: clinical testing. Allele origin: germline.
Comment: This sequence change replaces isoleucine, which is neutral and non-polar, with arginine, which is basic and polar, at codon 816 of the MET protein (p.Ile816Arg). This variant is present in population databases (rs764960693, gnomAD 0.004%). This variant has not been reported in the literature in individuals affected with MET-related conditions. ClinVar contains an entry for this variant (Variation ID: 184921). Advanced modeling of protein sequence and biophysical properties (such as structural, functional, and spatial information, amino acid conservation, physicochemical variation, residue mobility, and thermodynamic stability) performed at Invitae indicates that this missense variant is not expected to disrupt MET protein function with a negative predictive value of 80%. In summary, the available evidence is currently insufficient to determine the role of this variant in disease. Therefore, it has been classified as a Variant of Uncertain Significance.

NM_000245.4(MET):c.2393T>G (p.Ile798Arg)

Gene: MET (MET proto-oncogene, receptor tyrosine kinase; plus strand). Cytogenetic location: 7q31.2.
Variant type: single nucleotide variant.
Coding change: c.2393T>G on transcript NM_000245.4 (MANE Select); coding-DNA position 2393, T replaced by G.
Protein change: p.Ile798Arg; replaces isoleucine 798 with arginine.
Molecular consequence: missense variant.
Genome position (GRCh38, 1-based): chr7:116,763,078, T>G. VCF-style: chr7-116763078-T-G. GRCh37 (hg19) VCF-style: chr7-116403132-T-G.
Other names: c.2447T>G, p.Ile816Arg (NM_001127500.3); c.2393T>G, p.Ile798Arg (NM_001324401.3); c.1103T>G, p.Ile368Arg (NM_001324402.2); short protein forms I816R, I368R, I798R.
Identifiers: ClinVar variation 184921 (VCV000184921.16), dbSNP rs764960693, ClinGen allele CA190473.
Genomic context (GRCh38, chr7:116,763,078, plus strand): 5'-TGTTTACAGTGGATAATTGTGTCTTTCTCTAGGCATGTCAACATCGCTCTAATTCAGAGA[T>G]AATCTGTTGTACCACTCCTTCCCTGCAACAGCTGAATCTGCAACTCCCCCTGAAAACCAA-3'
Protein context (NP_000236.2, residues 788-808): VACQHRSNSE[Ile798Arg]ICCTTPSLQQ